The following is an entry in ClinVar:

ClinVar aggregate classification (germline): Uncertain significance (1 of 4 stars; one submission).

Submission:

Greenwood Genetic Center Diagnostic Laboratories, Greenwood Genetic Center
Classification: Uncertain significance. Last evaluated: 2025-11-20. Review status: criteria provided, single submitter. Criteria: ACMG Guidelines, 2015. Collection method: clinical testing. Allele origin: germline. Affected: yes.
Comment: PM2, PP2, PP3

NM_021072.4(HCN1):c.1187T>C (p.Leu396Ser)

Gene: HCN1 (hyperpolarization activated cyclic nucleotide gated potassium channel 1; minus strand). Cytogenetic location: 5p12.
Variant type: single nucleotide variant.
Coding change: c.1187T>C on transcript NM_021072.4 (MANE Select); coding-DNA position 1187, T replaced by C.
Protein change: p.Leu396Ser; replaces leucine 396 with serine.
Molecular consequence: missense variant.
Genome position (GRCh38, 1-based): chr5:45,396,535, A>G on the plus strand (T>C on the coding strand, the complement: HCN1 is on the minus strand). VCF-style: chr5-45396535-A-G. GRCh37 (hg19) VCF-style: chr5-45396637-A-G.
Other names: short protein forms L396S.
Identifiers: ClinVar variation 4845478 (VCV004845478.1).